The following is an entry in ClinVar:

ClinVar aggregate classification (germline): Benign/Likely benign. Review status: criteria provided, multiple submitters, no conflicts (2 of 4 stars). 4 submissions from 4 submitters: Benign (2); Likely benign (1). 1 of the submissions does not count toward it. Last evaluated 2026-05-11.

Conditions:
RREB1-related disorder. Also called: RREB1-related condition.

Allele frequency attached by ClinVar (database versions not stated): gnomAD exomes 0.00080; ExAC 0.00106; gnomAD 0.00275 and 0.00294; TOPMed 0.00308; 1000 Genomes Project 30x 0.00359; ESP Exome Variant Server 0.00361; 1000 Genomes Project 0.00379.
gnomAD v4.1: 1,069 of 1,613,814 alleles (0.066%); highest among the groups gnomAD compares: African/African-American, 0.99%; 7 homozygotes.

Submissions (4):

Women's Health and Genetics/Laboratory Corporation of America, LabCorp
Classification: Benign. Last evaluated: 2026-05-11. Review status: criteria provided, single submitter. Criteria: LabCorp Variant Classification Summary - May 2015. Collection method: clinical testing. Allele origin: germline.

CeGaT Center for Human Genetics Tuebingen
Classification: Likely benign. Last evaluated: 2025-03-01. Review status: criteria provided, single submitter. Criteria: CeGaT Center For Human Genetics Tuebingen Variant Classification Criteria Version 2. Collection method: clinical testing. Allele origin: germline. Affected: yes. Observed: 1 variant allele.
Comment: RREB1: BP4, BP7

Labcorp Genetics (formerly Invitae), Labcorp
Classification: Benign. Last evaluated: 2019-12-31. Review status: criteria provided, single submitter. Criteria: Invitae Variant Classification Sherloc (09022015). Collection method: clinical testing. Allele origin: germline.

PreventionGenetics, part of Exact Sciences
Classification: Benign for RREB1-related condition. Last evaluated: 2019-03-25. Review status: no assertion criteria provided. Collection method: clinical testing. Allele origin: germline. Not counted in ClinVar's aggregate classification.
Comment: This variant is classified as benign based on ACMG/AMP sequence variant interpretation guidelines (Richards et al. 2015 PMID: 25741868, with internal and published modifications).

NM_001003699.4(RREB1):c.87G>A (p.Lys29=)

Gene: RREB1 (ras responsive element binding protein 1; plus strand). Cytogenetic location: 6p24.3.
Variant type: single nucleotide variant.
Coding change: c.87G>A on transcript NM_001003699.4 (MANE Select); coding-DNA position 87, G replaced by A.
Protein change: p.Lys29=; no amino-acid change (lysine 29 retained).
Molecular consequence: synonymous variant.
Genome position (GRCh38, 1-based): chr6:7,181,998, G>A. VCF-style: chr6-7181998-G-A. GRCh37 (hg19) VCF-style: chr6-7182231-G-A.
Other names: c.87G>A, p.Lys29= (NM_001003698.4, NM_001003700.2, NM_001168344.2).
Identifiers: ClinVar variation 791535 (VCV000791535.14), dbSNP rs116604236, ClinGen allele CA3625140.
Genomic context (GRCh38, chr6:7,181,998, plus strand): 5'-GGAAGGTTCAGACCTATCTTCCATCAACACCATGATGTCGGCGGTCATGAGTGTAGGGAA[G>A]GTCACAGAGAATGGCGGGAGCCCCCAGGGGATCAAGTCCCCCTCGAAGCCTCCAGGACCA-3'
Protein context (NP_001003699.1, residues 19-39): TMMSAVMSVG[Lys29=]VTENGGSPQG